The following is an entry in ClinVar:

ClinVar aggregate classification (germline): Uncertain significance (1 of 4 stars; one submission).

Allele frequency attached by ClinVar (database versions not stated): gnomAD exomes below 0.00001.
gnomAD v4.1: 1 of 1,614,176 alleles (0.000062%); highest among the groups gnomAD compares: Non-Finnish European, 0.000085%; no homozygotes.

Submission:

Labcorp Genetics (formerly Invitae), Labcorp
Classification: Uncertain significance. Last evaluated: 2023-11-27. Review status: criteria provided, single submitter. Criteria: Invitae Variant Classification Sherloc (09022015). Collection method: clinical testing. Allele origin: germline.
Comment: This sequence change replaces serine, which is neutral and polar, with threonine, which is neutral and polar, at codon 761 of the LAMB1 protein (p.Ser761Thr). This variant is not present in population databases (gnomAD no frequency). This variant has not been reported in the literature in individuals affected with LAMB1-related conditions. ClinVar contains an entry for this variant (Variation ID: 1963597). An algorithm developed to predict the effect of missense changes on protein structure and function (PolyPhen-2) suggests that this variant¬†is likely to be tolerated. In summary, the available evidence is currently insufficient to determine the role of this variant in disease. Therefore, it has been classified as a Variant of Uncertain Significance.

NM_002291.3(LAMB1):c.2282G>C (p.Ser761Thr)

Gene: LAMB1 (laminin subunit beta 1; minus strand). Cytogenetic location: 7q31.1.
Variant type: single nucleotide variant.
Coding change: c.2282G>C on transcript NM_002291.3 (MANE Select); coding-DNA position 2282, G replaced by C.
Protein change: p.Ser761Thr; replaces serine 761 with threonine.
Molecular consequence: missense variant.
Genome position (GRCh38, 1-based): chr7:107,960,477, C>G on the plus strand (G>C on the coding strand, the complement: LAMB1 is on the minus strand). VCF-style: chr7-107960477-C-G. GRCh37 (hg19) VCF-style: chr7-107600922-C-G.
Other names: short protein forms S761T.
Identifiers: ClinVar variation 1963597 (VCV001963597.3), dbSNP rs1415332847, ClinGen allele CA368868721.